The following is an entry in ClinVar:

ClinVar aggregate classification (germline): Pathogenic (1 of 4 stars; one submission).

Conditions:
Familial thoracic aortic aneurysm and aortic dissection (TAAD). Also called: Thoracic aortic aneurysms and dissections. Identifiers: Orphanet 91387, MedGen C4707243, MONDO:0019625.

Submission:

Labcorp Genetics (formerly Invitae), Labcorp
Classification: Pathogenic for Familial thoracic aortic aneurysm and aortic dissection. Last evaluated: 2022-07-06. Review status: criteria provided, single submitter. Criteria: Invitae Variant Classification Sherloc (09022015). Collection method: clinical testing. Allele origin: germline.
Comment: This sequence change replaces tyrosine, which is neutral and polar, with cysteine, which is neutral and slightly polar, at codon 424 of the TGFBR2 protein (p.Tyr424Cys). For these reasons, this variant has been classified as Pathogenic. Advanced modeling of protein sequence and biophysical properties (such as structural, functional, and spatial information, amino acid conservation, physicochemical variation, residue mobility, and thermodynamic stability) performed at Invitae indicates that this missense variant is expected to disrupt TGFBR2 protein function. ClinVar contains an entry for this variant (Variation ID: 239528). This missense change has been observed in individual(s) with clinical features of TGFBR2-related conditions (Invitae). In at least one individual the variant was observed to be de novo. This variant is not present in population databases (gnomAD no frequency).

NM_003242.6(TGFBR2):c.1271A>G (p.Tyr424Cys)

Gene: TGFBR2 (transforming growth factor beta receptor 2; plus strand). Cytogenetic location: 3p24.1.
Variant type: single nucleotide variant.
Coding change: c.1271A>G on transcript NM_003242.6 (MANE Select); coding-DNA position 1271, A replaced by G.
Protein change: p.Tyr424Cys; replaces tyrosine 424 with cysteine.
Molecular consequence: missense variant.
Genome position (GRCh38, 1-based): chr3:30,674,121, A>G. VCF-style: chr3-30674121-A-G. GRCh37 (hg19) VCF-style: chr3-30715613-A-G.
Other names: c.1346A>G, p.Tyr449Cys (NM_001024847.3); c.1454A>G, p.Tyr485Cys (NM_001407126.1); c.1379A>G, p.Tyr460Cys (NM_001407127.1); c.1298A>G, p.Tyr433Cys (NM_001407128.1); c.1274A>G, p.Tyr425Cys (NM_001407129.1); c.1271A>G, p.Tyr424Cys (NM_001407130.1); c.1166A>G, p.Tyr389Cys (NM_001407132.1, NM_001407133.1, NM_001407134.1 and 2 more transcripts); c.986A>G, p.Tyr329Cys (NM_001407137.1); and 1 more; short protein forms Y424C, Y449C, Y433C, Y329C, Y304C, Y389C, Y425C, Y460C.
Identifiers: ClinVar variation 239528 (VCV000239528.6), dbSNP rs878854610, ClinGen allele CA10582147.